The following is an entry in ClinVar:

NM_000093.5(COL5A1):c.35C>A (p.Ala12Glu)

Gene: COL5A1 (collagen type V alpha 1 chain; plus strand). Cytogenetic location: 9q34.3.
Variant type: single nucleotide variant.
Coding change: c.35C>A on transcript NM_000093.5 (MANE Select); coding-DNA position 35, C replaced by A.
Protein change: p.Ala12Glu; replaces alanine 12 with glutamic acid.
Molecular consequence: missense variant.
Genome position (GRCh38, 1-based): chr9:134,642,222, C>A. VCF-style: chr9-134642222-C-A. GRCh37 (hg19) VCF-style: chr9-137534068-C-A.
Other names: c.35C>A, p.Ala12Glu (NM_001278074.1); short protein forms A12E.
Identifiers: ClinVar variation 575139 (VCV000575139.8), dbSNP rs995895784, ClinGen allele CA375443830.

ClinVar aggregate classification (germline): Uncertain significance. Review status: criteria provided, multiple submitters, no conflicts (2 of 4 stars). 2 submissions from 2 submitters: Uncertain significance (2). Last evaluated 2026-03-16.

Conditions:
Ehlers-Danlos syndrome, classic type, 1 (EDSCL1). Also called: Ehlers-Danlos Syndrome, Classic Type, COL5A1-Related; EDS I; Ehlers-Danlos syndrome, type 1; EHLERS-DANLOS SYNDROME, GRAVIS TYPE; EHLERS-DANLOS SYNDROME, SEVERE CLASSIC TYPE. Identifiers: MedGen C0268335, MONDO:0019567, OMIM 130000.

Submissions (2):

Women's Health and Genetics/Laboratory Corporation of America, LabCorp
Classification: Uncertain significance. Last evaluated: 2026-03-16. Review status: criteria provided, single submitter. Criteria: LabCorp Variant Classification Summary - May 2015. Collection method: clinical testing. Allele origin: germline.
Comment: Variant summary: COL5A1 c.35C>A (p.Ala12Glu) results in a non-conservative amino acid change in the encoded protein sequence. Algorithms developed to predict the effect of missense changes on protein structure and function are either unavailable or do not agree on the potential impact of this missense change. The variant was absent in 54970 control chromosomes. The available data on variant occurrences in the general population are insufficient to allow any conclusion about variant significance. c.35C>A has been observed in individual(s) with clinical features of COL5A1-related conditions (internal data). These data do not allow any conclusion about variant significance. To our knowledge, no experimental evidence demonstrating an impact on protein function has been reported. ClinVar contains an entry for this variant (Variation ID: 575139). Based on the evidence outlined above, the variant was classified as uncertain significance.

Labcorp Genetics (formerly Invitae), Labcorp
Classification: Uncertain significance for Ehlers-Danlos syndrome, classic type, 1. Last evaluated: 2021-08-13. Review status: criteria provided, single submitter. Criteria: Invitae Variant Classification Sherloc (09022015). Collection method: clinical testing. Allele origin: germline.
Comment: This sequence change replaces alanine with glutamic acid at codon 12 of the COL5A1 protein (p.Ala12Glu). The alanine residue is weakly conserved and there is a moderate physicochemical difference between alanine and glutamic acid. The frequency data for this variant in the population databases is considered unreliable, as metrics indicate insufficient coverage at this position in the ExAC database. This missense change has been observed in individual(s) with clinical features of COL5A1-related conditions (Invitae). Algorithms developed to predict the effect of missense changes on protein structure and function (SIFT, PolyPhen-2, Align-GVGD) all suggest that this variant is likely to be tolerated. In summary, the available evidence is currently insufficient to determine the role of this variant in disease. Therefore, it has been classified as a Variant of Uncertain Significance.